The following is an entry in ClinVar:

NM_020975.6(RET):c.343G>A (p.Gly115Ser)

Gene: RET (ret proto-oncogene; plus strand). Cytogenetic location: 10q11.21.
Variant type: single nucleotide variant.
Coding change: c.343G>A on transcript NM_020975.6 (MANE Select); coding-DNA position 343, G replaced by A.
Protein change: p.Gly115Ser; replaces glycine 115 with serine.
Molecular consequence: missense variant.
Genome position (GRCh38, 1-based): chr10:43,102,347, G>A. VCF-style: chr10-43102347-G-A. GRCh37 (hg19) VCF-style: chr10-43597795-G-A.
Other names: c.343G>A, p.Gly115Ser (NM_000323.2, NM_001406743.1, NM_001406744.1 and 16 more transcripts); short protein forms G115S.
Identifiers: ClinVar variation 823771 (VCV000823771.11), dbSNP rs1588863889, ClinGen allele CA376770628.

ClinVar aggregate classification (germline): Uncertain significance. Review status: criteria provided, multiple submitters, no conflicts (2 of 4 stars). 2 submissions from 2 submitters: Uncertain significance (2). Last evaluated 2025-04-08.

Conditions:
Hereditary cancer-predisposing syndrome. Also called: Neoplastic Syndromes, Hereditary; Tumor predisposition; Hereditary neoplastic syndrome; Hereditary Cancer Syndrome. Identifiers: Orphanet 140162, MedGen C0027672, MeSH D009386, MONDO:0015356.
Multiple endocrine neoplasia, type 2 (MEN2). Identifiers: Orphanet 653, MedGen C4048306, MONDO:0019003. Disease mechanism: gain of function.

Submissions (2):

Labcorp Genetics (formerly Invitae), Labcorp
Classification: Uncertain significance for Multiple endocrine neoplasia, type 2. Last evaluated: 2025-04-08. Review status: criteria provided, single submitter. Criteria: Invitae Variant Classification Sherloc (09022015). Collection method: clinical testing. Allele origin: germline.
Comment: This sequence change replaces glycine, which is neutral and non-polar, with serine, which is neutral and polar, at codon 115 of the RET protein (p.Gly115Ser). This variant is not present in population databases (gnomAD no frequency). This variant has not been reported in the literature in individuals affected with RET-related conditions. ClinVar contains an entry for this variant (Variation ID: 823771). An algorithm developed to predict the effect of missense changes on protein structure and function (PolyPhen-2) suggests that this variant is likely to be disruptive. In summary, the available evidence is currently insufficient to determine the role of this variant in disease. Therefore, it has been classified as a Variant of Uncertain Significance.

Ambry Genetics
Classification: Uncertain significance for Hereditary cancer-predisposing syndrome. Last evaluated: 2023-04-27. Review status: criteria provided, single submitter. Criteria: Ambry Variant Classification Scheme 2023. Collection method: clinical testing. Allele origin: germline.
Comment: The p.G115S variant (also known as c.343G>A), located in coding exon 3 of the RET gene, results from a G to A substitution at nucleotide position 343. The glycine at codon 115 is replaced by serine, an amino acid with similar properties. This amino acid position is highly conserved in available vertebrate species. In addition, the in silico prediction for this alteration is inconclusive. Since supporting evidence is limited at this time, the clinical significance of this alteration remains unclear.